The following is an entry in ClinVar:

NM_014143.4(CD274):c.437C>G (p.Pro146Arg)

Genes: CD274 (CD274 molecule; plus strand), INCR1 (interferon stimulated noncoding RNA 1; minus strand). Cytogenetic location: 9p24.1.
Variant type: single nucleotide variant.
Coding change: c.437C>G on transcript NM_014143.4 (MANE Select); coding-DNA position 437, C replaced by G.
Protein change: p.Pro146Arg; replaces proline 146 with arginine.
Molecular consequence: missense variant. On other transcripts: non-coding transcript variant (1).
Genome position (GRCh38, 1-based): chr9:5,462,876, C>G. VCF-style: chr9-5462876-C-G. GRCh37 (hg19) VCF-style: chr9-5462876-C-G.
Other names: c.95C>G, p.Pro32Arg (NM_001267706.2); c.437C>G, p.Pro146Arg (NM_001314029.2); short protein forms P146R, P32R.
Identifiers: ClinVar variation 2659049 (VCV002659049.24), dbSNP rs17718883, ClinGen allele CA4973669.

ClinVar aggregate classification (germline): Likely benign (1 of 4 stars; one submission).

Allele frequency attached by ClinVar (database versions not stated): 1000 Genomes Project 0.00260; 1000 Genomes Project 30x 0.00297; gnomAD 0.00338; ExAC 0.00368; TOPMed 0.00375; ESP Exome Variant Server 0.00377.
gnomAD v4.1: 6,557 of 1,613,860 alleles (0.41%); highest among the groups gnomAD compares: Admixed American, 0.5%; 20 homozygotes.

Submission:

CeGaT Center for Human Genetics Tuebingen
Classification: Likely benign. Last evaluated: 2022-07-01. Review status: criteria provided, single submitter. Criteria: CeGaT Center For Human Genetics Tuebingen Variant Classification Criteria Version 2. Collection method: clinical testing. Allele origin: germline. Affected: yes. Observed: 1 variant allele.
Comment: CD274: BP4, BS2